The following is an entry in ClinVar:

ClinVar aggregate classification (germline): Benign. Review status: criteria provided, multiple submitters, no conflicts (2 of 4 stars). 2 submissions from 2 submitters: Benign (2). Last evaluated 2026-01-09.

Conditions:
Pyruvate dehydrogenase E1-alpha deficiency (PDHAD). Also called: ATAXIA, INTERMITTENT, WITH PYRUVATE DEHYDROGENASE DEFICIENCY; ATAXIA WITH LACTIC ACIDOSIS I; ATAXIA, INTERMITTENT, WITH ABNORMAL PYRUVATE METABOLISM; Ataxia, intermittent, with pyruvate dehydrogenase, or decarboxylase, deficiency. Identifiers: Orphanet 79243, MedGen C1839413, MONDO:0010717, OMIM 312170.

Allele frequency attached by ClinVar (database versions not stated): gnomAD exomes 0.00019; gnomAD 0.00022 and 0.00023; ExAC 0.00023; ESP Exome Variant Server 0.00028; TOPMed 0.00036.
gnomAD v4.1: 253 of 1,169,737 alleles (0.022%); highest among the groups gnomAD compares: Middle Eastern, 0.19%; no homozygotes.

Submissions (2):

Labcorp Genetics (formerly Invitae), Labcorp
Classification: Benign for Pyruvate dehydrogenase E1-alpha deficiency. Last evaluated: 2026-01-09. Review status: criteria provided, single submitter. Criteria: Invitae Variant Classification Sherloc (09022015). Collection method: clinical testing. Allele origin: germline.

GeneDx
Classification: Benign. Last evaluated: 2014-07-17. Review status: criteria provided, single submitter. Criteria: GeneDx Variant Classification (06012015). Collection method: clinical testing. Allele origin: germline. Affected: yes.
Comment: This variant is considered likely benign or benign based on one or more of the following criteria: it is a conservative change, it occurs at a poorly conserved position in the protein, it is predicted to be benign by multiple in silico algorithms, and/or has population frequency not consistent with disease.

NM_000284.4(PDHA1):c.899+18G>A

Gene: PDHA1 (pyruvate dehydrogenase E1 subunit alpha 1; plus strand). Cytogenetic location: Xp22.12.
Variant type: single nucleotide variant.
Coding change: c.899+18G>A on transcript NM_000284.4 (MANE Select); 18 bases into the intron after coding-DNA position 899, G replaced by A.
Molecular consequence: intron variant.
Genome position (GRCh38, 1-based): chrX:19,357,737, G>A. VCF-style: chrX-19357737-G-A. GRCh37 (hg19) VCF-style: chrX-19375855-G-A.
Other names: c.1013+18G>A (NM_001173454.2); c.920+18G>A (NM_001173455.2); c.806+18G>A (NM_001173456.2).
Identifiers: ClinVar variation 214931 (VCV000214931.8), dbSNP rs370785632, ClinGen allele CA323702.